The following is an entry in ClinVar:

ClinVar aggregate classification (germline): Uncertain significance (1 of 4 stars; one submission).

Conditions:
Hereditary breast ovarian cancer syndrome. Also called: Hereditary breast and ovarian cancer syndrome (HBOC); Breast and ovarian cancer; BRCA1- and BRCA2-Associated Hereditary Breast and Ovarian Cancer; Hereditary breast and ovarian cancer syndrome; Hereditary breast and ovarian cancer; Hereditary breast and/or ovarian cancer syndrome. Identifiers: Orphanet 145, MedGen C0677776, MeSH D061325, MONDO:0003582. Disease mechanism: loss of function.

Submission:

Labcorp Genetics (formerly Invitae), Labcorp
Classification: Uncertain significance for Hereditary breast ovarian cancer syndrome. Last evaluated: 2023-02-11. Review status: criteria provided, single submitter. Criteria: Invitae Variant Classification Sherloc (09022015). Collection method: clinical testing. Allele origin: germline.
Comment: This sequence change replaces leucine, which is neutral and non-polar, with proline, which is neutral and non-polar, at codon 782 of the BRCA2 protein (p.Leu782Pro). This variant is not present in population databases (gnomAD no frequency). This variant has not been reported in the literature in individuals affected with BRCA2-related conditions. Advanced modeling of protein sequence and biophysical properties (such as structural, functional, and spatial information, amino acid conservation, physicochemical variation, residue mobility, and thermodynamic stability) performed at Invitae indicates that this missense variant is not expected to disrupt BRCA2 protein function. In summary, the available evidence is currently insufficient to determine the role of this variant in disease. Therefore, it has been classified as a Variant of Uncertain Significance.

NM_000059.4(BRCA2):c.2345T>C (p.Leu782Pro)

Gene: BRCA2 (BRCA2 DNA repair associated; plus strand). Cytogenetic location: 13q13.1.
Variant type: single nucleotide variant.
Coding change: c.2345T>C on transcript NM_000059.4 (MANE Select); coding-DNA position 2345, T replaced by C.
Protein change: p.Leu782Pro; replaces leucine 782 with proline.
Molecular consequence: missense variant. On other transcripts: non-coding transcript variant (1), intron variant (2).
Genome position (GRCh38, 1-based): chr13:32,336,700, T>C. VCF-style: chr13-32336700-T-C. GRCh37 (hg19) VCF-style: chr13-32910837-T-C.
Other names: c.2345T>C, p.Leu782Pro (NM_001406719.1, NM_001406720.1); c.1909+3313T>C (NM_001406721.1); c.424+5670T>C (NM_001406722.1); short protein forms L782P.
Identifiers: ClinVar variation 2836194 (VCV002836194.3), dbSNP rs876661019, ClinGen allele CA387771612.